The following is an entry in ClinVar:

ClinVar aggregate classification (germline): Uncertain significance (1 of 4 stars; one submission).

Submission:

Ambry Genetics
Classification: Uncertain significance. Last evaluated: 2023-04-13. Review status: criteria provided, single submitter. Criteria: Ambry Variant Classification Scheme 2023. Collection method: clinical testing. Allele origin: germline.
Comment: The p.S1510R variant (also known as c.4530C>G), located in coding exon 40 of the KIF1B gene, results from a C to G substitution at nucleotide position 4530. The serine at codon 1510 is replaced by arginine, an amino acid with dissimilar properties. This amino acid position is conserved. In addition, this alteration is predicted to be tolerated by in silico analysis. Since supporting evidence is limited at this time, the clinical significance of this alteration remains unclear.

NM_001365951.3(KIF1B):c.4668C>G (p.Ser1556Arg)

Gene: KIF1B (kinesin family member 1B; plus strand). Cytogenetic location: 1p36.22.
Variant type: single nucleotide variant.
Coding change: c.4668C>G on transcript NM_001365951.3 (MANE Select); coding-DNA position 4668, C replaced by G.
Protein change: p.Ser1556Arg; replaces serine 1556 with arginine.
Molecular consequence: missense variant.
Genome position (GRCh38, 1-based): chr1:10,365,564, C>G. VCF-style: chr1-10365564-C-G. GRCh37 (hg19) VCF-style: chr1-10425622-C-G.
Other names: c.4668C>G, p.Ser1556Arg (NM_001365952.1); c.4530C>G, p.Ser1510Arg (NM_015074.3); short protein forms S1556R, S1510R.
Identifiers: ClinVar variation 2563607 (VCV002563607.2), dbSNP rs765541693, ClinGen allele CA338322221.